The following is an entry in ClinVar:

NM_024312.5(GNPTAB):c.3100del (p.Ala1034fs)

Gene: GNPTAB (N-acetylglucosamine-1-phosphate transferase subunits alpha and beta; minus strand). Cytogenetic location: 12q23.2.
Variant type: Deletion.
Coding change: c.3100del on transcript NM_024312.5 (MANE Select); coding-DNA position 3100, one base deleted (G; older notation c.3100delG).
Protein change: p.Ala1034fs; shifts the reading frame from alanine 1034.
Molecular consequence: frameshift variant.
Genome position (GRCh38, 1-based): chr12:101,761,162, C deleted on the plus strand (G on the coding strand, the reverse complement: GNPTAB is on the minus strand); the first of 2 consecutive C bases (chr12:101,761,162-101,761,163); deleting either gives the same sequence. VCF-style (leftmost placement, unchanged base first): chr12-101761161-GC-G. GRCh37 (hg19) VCF-style: chr12-102154939-GC-G.
Other names: short protein forms A1034fs.
Identifiers: ClinVar variation 1364183 (VCV001364183.6), dbSNP rs2137111897, ClinGen allele CA2573147914.
Genomic context (GRCh38, chr12:101,761,161, plus strand): 5'-AAGTTTAGAATAAGACAATACAACACCTGCAAACTTAACGGCAGTTCGTGAATTCTGGTA[GC>G]CAGTGTTCGGATTTCTCTGTCAGACAAGACACCAGATTGATCTGTATCAACTTCATCAAA-3'

ClinVar aggregate classification (germline): Pathogenic (1 of 4 stars; one submission).

Conditions:
Pseudo-Hurler polydystrophy. Also called: ML III; ML III ALPHA/BETA; MUCOLIPIDOSIS IIIA; Type III Mucolipidosis; ML IIIA; Mucolipidosis III Alpha/Beta. Identifiers: Orphanet 423461, Orphanet 577, MedGen C0033788, MONDO:0018931, OMIM 252600.
Mucolipidosis type II. Also called: ML II ALPHA/BETA; Mucolipidosis 2; ML 2; Inclusion cell disease; Leroy Disease; N-acetylglucosamine 1phosphotransferase deficiency. Identifiers: Orphanet 576, MedGen C2673377, MONDO:0009650, OMIM 252500.

Submission:

Labcorp Genetics (formerly Invitae), Labcorp
Classification: Pathogenic for Pseudo-Hurler polydystrophy; Mucolipidosis type II. Last evaluated: 2021-11-27. Review status: criteria provided, single submitter. Criteria: Invitae Variant Classification Sherloc (09022015). Collection method: clinical testing. Allele origin: germline.
Comment: This sequence change creates a premature translational stop signal (p.Ala1034Leufs*9) in the GNPTAB gene. It is expected to result in an absent or disrupted protein product. Loss-of-function variants in GNPTAB are known to be pathogenic (PMID: 19617216, 25107912). This variant is not present in population databases (gnomAD no frequency). This variant has not been reported in the literature in individuals affected with GNPTAB-related conditions. For these reasons, this variant has been classified as Pathogenic.

Literature cited by the submitters: PubMed 19617216; PubMed 25107912.